The following is an entry in ClinVar:

ClinVar aggregate classification (germline): Uncertain significance. Review status: reviewed by expert panel (3 of 4 stars). 5 submissions from 5 submitters: Uncertain significance (1). 4 of the submissions do not count toward it. Last evaluated 2025-05-20.

Conditions:
RPGR-related retinopathy. Also called: RPGR retinopathy. Identifiers: MedGen CN305589, MONDO:0100437.
Primary ciliary dyskinesia. Also called: Ciliary dyskinesia. Identifiers: Orphanet 244, MedGen C0008780, MONDO:0016575, HP:0012265.

Allele frequency attached by ClinVar (database versions not stated): gnomAD 0.00001; TOPMed 0.00001; gnomAD exomes below 0.00001.
gnomAD v4.1: 2 of 1,203,898 alleles (0.00017%); highest among the groups gnomAD compares: Non-Finnish European, 0.00022%; no homozygotes.

Submissions (5):

ClinGen X-linked Inherited Retinal Disease Variant Curation Expert Panel, ClinGen
Classification: Uncertain significance for RPGR-related retinopathy. Last evaluated: 2025-05-20. Review status: reviewed by expert panel. Criteria: ClinGen X LinkedIRD ACMG Specifications RPGR V1.0.0. Collection method: curation. Allele origin: germline. Inheritance: X-linked inheritance.
Comment: NM_001034853.2(RPGR):c.968G>A (p.Arg323His) is a missense variant encoding substitution of arginine with histidine at amino acid 323. The variant is present in ClinVar but has not yet been reported in published probands. This variant is present in gnomAD v.4.1.0 at a frequency of 0.000002553 among hemizygous individuals, with 1 variant allele / 391,742 total alleles, which is lower than the ClinGen X-linked IRD VCEP PM2_Supporting threshold of <0.0000005 (PM2_Supporting). The computational predictor REVEL gives a score of 0.693, which is between the ClinGen X-linked IRD VCEP threshold of 0644 to 0.773 and predicts a damaging effect on RPGR function (PP3). The computational splicing predictor SpliceAI gives a delta score of 0.00, which is below the ClinGen X-linked IRD VCEP threshold of >0.2 and does not predict disruption of RPGR splicing. In summary, this variant meets the criteria to be classified as a variant of uncertain significance for RPGR-related retinopathy based on the ClinGen X-linked Inherited Retinal Disease Expert Panel Specifications to the ACMG/AMP Variant Interpretation Guidelines for RPGR Version 1.0.0; PM2_supporting and PP3_supporting. (date of approval 05/16/2025).

Ambry Genetics
Classification: Uncertain significance for Primary ciliary dyskinesia. Last evaluated: 2025-03-27. Review status: criteria provided, single submitter. Criteria: Ambry Variant Classification Scheme 2023. Collection method: clinical testing. Allele origin: germline. Not counted in ClinVar's aggregate classification.

Labcorp Genetics (formerly Invitae), Labcorp
Classification: Uncertain significance for Primary ciliary dyskinesia. Last evaluated: 2024-02-14. Review status: criteria provided, single submitter. Criteria: Invitae Variant Classification Sherloc (09022015). Collection method: clinical testing. Allele origin: germline. Not counted in ClinVar's aggregate classification.
Comment: This sequence change replaces arginine, which is basic and polar, with histidine, which is basic and polar, at codon 323 of the RPGR protein (p.Arg323His). This variant is not present in population databases (gnomAD no frequency). This variant has not been reported in the literature in individuals affected with RPGR-related conditions. ClinVar contains an entry for this variant (Variation ID: 1317013). Advanced modeling of protein sequence and biophysical properties (such as structural, functional, and spatial information, amino acid conservation, physicochemical variation, residue mobility, and thermodynamic stability) has been performed at Invitae for this missense variant, however the output from this modeling did not meet the statistical confidence thresholds required to predict the impact of this variant on RPGR protein function. In summary, the available evidence is currently insufficient to determine the role of this variant in disease. Therefore, it has been classified as a Variant of Uncertain Significance.

Clinical Genetics Laboratory, Skane University Hospital Lund
Classification: Uncertain significance. Last evaluated: 2022-05-27. Review status: criteria provided, single submitter. Criteria: ACMG Guidelines, 2015. Collection method: clinical testing. Allele origin: germline. Affected: yes. Not counted in ClinVar's aggregate classification.

GeneDx
Classification: Uncertain significance. Last evaluated: 2019-07-22. Review status: criteria provided, single submitter. Criteria: GeneDx Variant Classification Process June 2021. Collection method: clinical testing. Allele origin: germline. Affected: yes. Not counted in ClinVar's aggregate classification.
Comment: Not observed in large population cohorts (Lek et al., 2016); In silico analysis, which includes protein predictors and evolutionary conservation, supports a deleterious effect; Has not been previously published as pathogenic or benign to our knowledge

NM_001034853.2(RPGR):c.968G>A (p.Arg323His)

Gene: RPGR (retinitis pigmentosa GTPase regulator; minus strand). Cytogenetic location: Xp11.4.
Variant type: single nucleotide variant.
Coding change: c.968G>A on transcript NM_001034853.2 (MANE Select); coding-DNA position 968, G replaced by A.
Protein change: p.Arg323His; replaces arginine 323 with histidine.
Molecular consequence: missense variant. On other transcripts: non-coding transcript variant (6).
Genome position (GRCh38, 1-based): chrX:38,301,338, C>T on the plus strand (G>A on the coding strand, the complement: RPGR is on the minus strand). VCF-style: chrX-38301338-C-T. GRCh37 (hg19) VCF-style: chrX-38160591-C-T.
Other names: NM_001034853.2(RPGR):c.968G>A; p.Arg323His; c.968G>A (NM_000328.2); c.968G>A, p.Arg323His (NM_000328.3, NM_001367246.1, NM_001367247.1 and 1 more transcripts); c.965G>A, p.Arg322His (NM_001367245.1, NM_001367249.1, NM_001367250.1); c.998G>A, p.Arg333His (NM_001367248.1); short protein forms R322H, R323H, R333H.
Identifiers: ClinVar variation 1317013 (VCV001317013.6), dbSNP rs2067497181, ClinGen allele CA412740347.